The following is an entry in ClinVar:

ClinVar aggregate classification (germline): Uncertain significance (1 of 4 stars; one submission).

Submission:

Labcorp Genetics (formerly Invitae), Labcorp
Classification: Uncertain significance. Last evaluated: 2024-02-21. Review status: criteria provided, single submitter. Criteria: Invitae Variant Classification Sherloc (09022015). Collection method: clinical testing. Allele origin: germline.
Comment: This sequence change replaces valine, which is neutral and non-polar, with alanine, which is neutral and non-polar, at codon 2138 of the TRRAP protein (p.Val2138Ala). This variant is not present in population databases (gnomAD no frequency). This variant has not been reported in the literature in individuals affected with TRRAP-related conditions. An algorithm developed to predict the effect of missense changes on protein structure and function (PolyPhen-2) suggests that this variant is likely to be tolerated. In summary, the available evidence is currently insufficient to determine the role of this variant in disease. Therefore, it has been classified as a Variant of Uncertain Significance.

NM_001375524.1(TRRAP):c.6488T>C (p.Val2163Ala)

Gene: TRRAP (transformation/transcription domain associated protein; plus strand). Cytogenetic location: 7q22.1.
Variant type: single nucleotide variant.
Coding change: c.6488T>C on transcript NM_001375524.1 (MANE Select); coding-DNA position 6488, T replaced by C.
Protein change: p.Val2163Ala; replaces valine 2163 with alanine.
Molecular consequence: missense variant.
Genome position (GRCh38, 1-based): chr7:98,959,489, T>C. VCF-style: chr7-98959489-T-C. GRCh37 (hg19) VCF-style: chr7-98557112-T-C.
Other names: c.6467T>C, p.Val2156Ala (NM_001244580.2); c.6413T>C, p.Val2138Ala (NM_003496.4); short protein forms V2138A, V2163A, V2156A.
Identifiers: ClinVar variation 3642354 (VCV003642354.2).